The following is an entry in ClinVar:

NM_000465.4(BARD1):c.1801G>A (p.Asp601Asn)

Gene: BARD1 (BRCA1 associated RING domain 1; minus strand). Cytogenetic location: 2q35.
Variant type: single nucleotide variant.
Coding change: c.1801G>A on transcript NM_000465.4 (MANE Select); coding-DNA position 1801, G replaced by A.
Protein change: p.Asp601Asn; replaces aspartic acid 601 with asparagine.
Molecular consequence: missense variant. On other transcripts: non-coding transcript variant (3), intron variant (1).
Genome position (GRCh38, 1-based): chr2:214,745,731, C>T on the plus strand (G>A on the coding strand, the complement: BARD1 is on the minus strand). VCF-style: chr2-214745731-C-T. GRCh37 (hg19) VCF-style: chr2-215610455-C-T.
Other names: c.1744G>A, p.Asp582Asn (NM_001282543.2); c.448G>A, p.Asp150Asn (NM_001282545.2); c.391G>A, p.Asp131Asn (NM_001282548.2); c.365-15223G>A (NM_001282549.2); short protein forms D601N, D150N, D131N, D582N.
Identifiers: ClinVar variation 406767 (VCV000406767.23), dbSNP rs753752419, ClinGen allele CA2090171.

ClinVar aggregate classification (germline): Uncertain significance. Review status: criteria provided, multiple submitters, no conflicts (2 of 4 stars). 8 submissions from 8 submitters: Uncertain significance (8). Last evaluated 2025-11-25.

Conditions:
BARD1-related cancer predisposition. Identifiers: MedGen CN377756, MONDO:0700267.
Hereditary cancer-predisposing syndrome. Also called: Hereditary Cancer Syndrome; Hereditary neoplastic syndrome; Neoplastic Syndromes, Hereditary; Tumor predisposition. Identifiers: Orphanet 140162, MedGen C0027672, MeSH D009386, MONDO:0015356.
Familial cancer of breast. Also called: BREAST CANCER, FAMILIAL; Hereditary breast cancer; hereditary breast carcinoma. Identifiers: Orphanet 227535, MedGen C0346153, MONDO:0016419, OMIM 114480. Disease mechanism: loss of function.

Allele frequency attached by ClinVar (database versions not stated): gnomAD exomes 0.00001 and 0.00002; ExAC 0.00003; TOPMed 0.00003.
gnomAD v4.1: 20 of 1,614,074 alleles (0.0012%); highest among the groups gnomAD compares: Admixed American, 0.0067%; no homozygotes.

Submissions (8):

Ambry Genetics
Classification: Uncertain significance for Hereditary cancer-predisposing syndrome. Last evaluated: 2025-11-25. Review status: criteria provided, single submitter. Criteria: Ambry Variant Classification Scheme 2023. Collection method: clinical testing. Allele origin: germline.
Comment: The p.D601N variant (also known as c.1801G>A), located in coding exon 8 of the BARD1 gene, results from a G to A substitution at nucleotide position 1801. The aspartic acid at codon 601 is replaced by asparagine, an amino acid with highly similar properties. This variant was reported in 2/60,466 breast cancer cases and in 0/53,461 controls (Dorling et al. N Engl J Med. 2021 02;384:428-439). This amino acid position is well conserved in available vertebrate species. In addition, this alteration is predicted to be tolerated by in silico analysis. Since supporting evidence is limited at this time, the clinical significance of this alteration remains unclear.

Labcorp Genetics (formerly Invitae), Labcorp
Classification: Uncertain significance for Familial cancer of breast. Last evaluated: 2025-11-13. Review status: criteria provided, single submitter. Criteria: Invitae Variant Classification Sherloc (09022015). Collection method: clinical testing. Allele origin: germline.
Comment: This sequence change replaces aspartic acid, which is acidic and polar, with asparagine, which is neutral and polar, at codon 601 of the BARD1 protein (p.Asp601Asn). This variant is present in population databases (rs753752419, gnomAD 0.009%). This missense change has been observed in individual(s) with colorectal cancer (PMID: 28135145). ClinVar contains an entry for this variant (Variation ID: 406767). An algorithm developed to predict the effect of missense changes on protein structure and function outputs the following: PolyPhen-2: "Benign". The asparagine amino acid residue is found in multiple mammalian species, which suggests that this missense change does not adversely affect protein function. In summary, the available evidence is currently insufficient to determine the role of this variant in disease. Therefore, it has been classified as a Variant of Uncertain Significance.

Color Diagnostics, LLC DBA Color Health
Classification: Uncertain significance for Hereditary cancer-predisposing syndrome. Last evaluated: 2025-02-25. Review status: criteria provided, single submitter. Criteria: ACMG Guidelines, 2015. Collection method: clinical testing. Allele origin: germline.
Comment: This missense variant replaces aspartic acid with asparagine at codon 601 of the BARD1 protein. Computational prediction suggests that this variant may not impact protein structure and function. To our knowledge, functional studies have not been reported for this variant. This variant has been reported in an individuals affected with breast cancer (PMID: 33471991) and colorectal cancer (PMID: 28135145). This variant has also been identified in 4/251158 chromosomes in the general population by the Genome Aggregation Database (gnomAD). The available evidence is insufficient to determine the role of this variant in disease conclusively. Therefore, this variant is classified as a Variant of Uncertain Significance.

Baylor Genetics
Classification: Uncertain significance for Familial cancer of breast. Last evaluated: 2023-12-31. Review status: criteria provided, single submitter. Criteria: ACMG Guidelines, 2015. Collection method: clinical testing. Allele origin: unknown.

GeneDx
Classification: Uncertain significance. Last evaluated: 2023-12-14. Review status: criteria provided, single submitter. Criteria: GeneDx Variant Classification Process June 2021. Collection method: clinical testing. Allele origin: germline. Affected: yes.
Comment: Not observed at significant frequency in large population cohorts (gnomAD); In silico analysis supports that this missense variant does not alter protein structure/function; This variant is associated with the following publications: (PMID: 17550235, 28135145, 33471991)

Genetic Services Laboratory, University of Chicago
Classification: Uncertain significance. Last evaluated: 2023-08-17. Review status: criteria provided, single submitter. Criteria: ACMG Guidelines, 2015. Collection method: clinical testing. Allele origin: germline. Affected: no.
Comment: DNA sequence analysis of the BARD1 gene demonstrated a sequence change, c.1801G>A, in exon 8 that results in an amino acid change, p.Asp601Asn. This sequence change has been previously described in a cohort of individuals with colorectal cancer patients and was called a variant of unknown significance (PMID: 28135145). This sequence change has been described in the gnomAD database with an overall frequency of 0.0016% (dbSNP rs753752419). The p.Asp601Asn change affects a poorly conserved amino acid residue located in a domain of the BARD1 protein that is known to be functional. The p.Asp601Asn substitution appears to be benign using several in-silico pathogenicity prediction tools (SIFT, PolyPhen2, Align GVGD, REVEL). Due to insufficient evidences and the lack of functional studies, the clinical significance of the p.Asp601Asn change remains unknown at this time.

Department of Pathology and Laboratory Medicine, Sinai Health System
Classification: Uncertain significance for BARD1-related cancer predisposition. Last evaluated: 2022-07-22. Review status: criteria provided, single submitter. Criteria: ACMG Guidelines, 2015. Collection method: clinical testing. Allele origin: germline. Affected: no.

Sema4
Classification: Uncertain significance for Hereditary cancer-predisposing syndrome. Last evaluated: 2021-08-10. Review status: criteria provided, single submitter. Criteria: Sema4 Curation Guidelines. Collection method: curation. Allele origin: germline.
Comment: The BARD1 c.1801G>A (p.D601N) variant has been reported in heterozygosity in at least two individuals with breast cancer and one with colorectal cancer (PMID: 33471991, 28135145). It was observed in 3/34592 chromosomes of the Latino subpopulation in the large and broad cohorts of the Genome Aggregation Database (PMID: 32461654). The variant has been reported in ClinVar (Variation ID 406767). Functional studies have not been performed, and in silico predictions of the variant's effect on protein function are inconclusive. The evidence is insufficient to meet ACMG/AMP criteria for classifying the variant as benign or pathogenic. Thus, the clinical significance of this variant is currently uncertain.

Literature cited by the submitters: PubMed 28135145 (cited by 5 submitters); PubMed 33471991 (cited by 4 submitters).